The following is an entry in ClinVar:

NM_006767.4(LZTR1):c.263+2T>C

Gene: LZTR1 (leucine zipper like post translational regulator 1; plus strand). Cytogenetic location: 22q11.21.
Variant type: single nucleotide variant.
Coding change: c.263+2T>C on transcript NM_006767.4 (MANE Select); the canonical splice donor site of the intron after coding-DNA position 263, T replaced by C.
Molecular consequence: splice donor variant.
Genome position (GRCh38, 1-based): chr22:20,983,091, T>C. VCF-style: chr22-20983091-T-C. GRCh37 (hg19) VCF-style: chr22-21337380-T-C.
Identifiers: ClinVar variation 4706141 (VCV004706141.1).
Genomic context (GRCh38, chr22:20,983,091, plus strand): 5'-AGCAAGCACACAGTGGTGGCCTATAAAGATGCCATTTATGTATTTGGTGGAGACAATGGG[T>C]GAGTGAGTCTCAGCATCAGTGTTTGGACCAGGTAGGGAGAAGTACTGTGGTCAGGGACTG-3'

ClinVar aggregate classification (germline): Pathogenic (1 of 4 stars; one submission).

Submission:

Labcorp Genetics (formerly Invitae), Labcorp
Classification: Pathogenic. Last evaluated: 2025-04-17. Review status: criteria provided, single submitter. Criteria: Invitae Variant Classification Sherloc (09022015). Collection method: clinical testing. Allele origin: germline.
Comment: This sequence change affects a donor splice site in intron 2 of the LZTR1 gene. It is expected to disrupt RNA splicing. Variants that disrupt the donor or acceptor splice site typically lead to a loss of protein function (PMID: 16199547), and loss-of-function variants in LZTR1 are known to be pathogenic (PMID: 24362817, 25335493, 25480913, 25795793, 29469822, 30368668, 30442762, 30442766, 30481304, 30859559). This variant is not present in population databases (gnomAD no frequency). Disruption of this splice site has been observed in individual(s) with clinical features of Noonan syndrome (internal data). In at least one individual the variant was observed to be de novo. Algorithms developed to predict the effect of sequence changes on RNA splicing suggest that this variant may disrupt the consensus splice site. For these reasons, this variant has been classified as Pathogenic.

Literature cited by the submitters: PubMed 16199547; PubMed 24362817; PubMed 25335493; PubMed 25480913; PubMed 25795793; PubMed 29469822; PubMed 30368668; PubMed 30442762; PubMed 30442766; PubMed 30481304; PubMed 30859559.